The following is an entry in ClinVar:

NM_000154.2(GALK1):c.1105C>T (p.Gln369Ter)

Gene: GALK1 (galactokinase 1; minus strand). Cytogenetic location: 17q25.1.
Variant type: single nucleotide variant.
Coding change: c.1105C>T on transcript NM_000154.2 (MANE Select); coding-DNA position 1105, C replaced by T.
Protein change: p.Gln369Ter; replaces glutamine 369 with a stop codon.
Molecular consequence: nonsense.
Genome position (GRCh38, 1-based): chr17:75,758,212, G>A on the plus strand (C>T on the coding strand, the complement: GALK1 is on the minus strand). VCF-style: chr17-75758212-G-A. GRCh37 (hg19) VCF-style: chr17-73754293-G-A.
Other names: c.1105C>T, p.Gln369Ter (NM_001381985.1); c.1105C>T (NM_000154.1); short protein forms Q369*.
Identifiers: ClinVar variation 2857057 (VCV002857057.4), dbSNP rs2545899422, ClinGen allele CA401098266.

ClinVar aggregate classification (germline): Pathogenic/Likely pathogenic. Review status: criteria provided, multiple submitters, no conflicts (2 of 4 stars). 2 submissions from 2 submitters: Pathogenic (1); Likely pathogenic (1). Last evaluated 2026-01-14.

Conditions:
Deficiency of galactokinase. Also called: GALACTOSEMIA II; Galactokinase deficiency with cataracts. Identifiers: Orphanet 352, Orphanet 79237, MedGen C0268155, MONDO:0009255, OMIM 230200.

Submissions (2):

Natera, Inc.
Classification: Likely pathogenic for Deficiency of galactokinase. Last evaluated: 2026-01-14. Review status: criteria provided, single submitter. Criteria: Natera Variant Classification Schema (03/2026). Collection method: clinical testing. Allele origin: germline.
Comment: The c.1105C>T variant in GALK1 is a nonsense variant predicted to introduce a stop codon at amino acid 369. This variant is expected to result in nonsense mediated decay, truncation, or a dysfunctional protein product. This variant is rare in the general population with a frequency below the threshold expected for the associated phenotype(s). Given the available evidence, this variant is classified as Likely Pathogenic.

Labcorp Genetics (formerly Invitae), Labcorp
Classification: Pathogenic for Deficiency of galactokinase. Last evaluated: 2023-08-11. Review status: criteria provided, single submitter. Criteria: Invitae Variant Classification Sherloc (09022015). Collection method: clinical testing. Allele origin: germline.
Comment: For these reasons, this variant has been classified as Pathogenic. This variant disrupts a region of the GALK1 protein in which other variant(s) (p.Gln382*) have been determined to be pathogenic (PMID: 10790206). This suggests that this is a clinically significant region of the protein, and that variants that disrupt it are likely to be disease-causing. This variant has not been reported in the literature in individuals affected with GALK1-related conditions. This variant is not present in population databases (gnomAD no frequency). This sequence change creates a premature translational stop signal (p.Gln369*) in the GALK1 gene. While this is not anticipated to result in nonsense mediated decay, it is expected to disrupt the last 24 amino acid(s) of the GALK1 protein.

Literature cited by the submitters: PubMed 10790206 (cited by Labcorp Genetics (formerly Invitae), Labcorp).